The following is an entry in ClinVar:

ClinVar aggregate classification (germline): Uncertain significance (1 of 4 stars; one submission).

Allele frequency attached by ClinVar (database versions not stated): gnomAD exomes below 0.00001.

Submission:

GeneDx
Classification: Uncertain significance. Last evaluated: 2025-06-05. Review status: criteria provided, single submitter. Criteria: GeneDx Variant Classification Process June 2021. Collection method: clinical testing. Allele origin: germline. Affected: yes.
Comment: In silico analysis supports that this missense variant has a deleterious effect on protein structure/function; Has not been previously reported as pathogenic or benign in association with HSPD1-related disorders to our knowledge; This variant is associated with the following publications: (PMID: 33014020)

NM_002156.5(HSPD1):c.1510G>A (p.Asp504Asn)

Gene: HSPD1 (heat shock protein family D (Hsp60) member 1; minus strand). Cytogenetic location: 2q33.1.
Variant type: single nucleotide variant.
Coding change: c.1510G>A on transcript NM_002156.5 (MANE Select); coding-DNA position 1510, G replaced by A.
Protein change: p.Asp504Asn; replaces aspartic acid 504 with asparagine.
Molecular consequence: missense variant.
Genome position (GRCh38, 1-based): chr2:197,487,917, C>T on the plus strand (G>A on the coding strand, the complement: HSPD1 is on the minus strand). VCF-style: chr2-197487917-C-T. GRCh37 (hg19) VCF-style: chr2-198352641-C-T.
Other names: c.1510G>A, p.Asp504Asn (NM_199440.2); short protein forms D504N.
Identifiers: ClinVar variation 1317035 (VCV001317035.3), dbSNP rs1185021844, ClinGen allele CA350198318.